The following is an entry in ClinVar:

NM_003482.4(KMT2D):c.14643G>A (p.Gln4881=)

Gene: KMT2D (lysine methyltransferase 2D; minus strand). Cytogenetic location: 12q13.12.
Variant type: single nucleotide variant.
Coding change: c.14643G>A on transcript NM_003482.4 (MANE Select); coding-DNA position 14643, G replaced by A.
Protein change: p.Gln4881=; no amino-acid change (glutamine 4881 retained).
Molecular consequence: synonymous variant.
Genome position (GRCh38, 1-based): chr12:49,027,803, C>T on the plus strand (G>A on the coding strand, the complement: KMT2D is on the minus strand). VCF-style: chr12-49027803-C-T. GRCh37 (hg19) VCF-style: chr12-49421586-C-T.
Identifiers: ClinVar variation 1911996 (VCV001911996.4), dbSNP rs1303648140, ClinGen allele CA479523224.
Genomic context (GRCh38, chr12:49,027,803, plus strand): 5'-CGCGCCTGGCCGGCAGCCCCTTTTTTCTAACACCCACCCCTTTTTCTCCCCCAGACCTAC[C>T]TGTTTCAGGAGGCTCAAGATGTCTAGTTGGCTCTTCAGGGTATAGCCAGGCAACACTGCA-3'
Protein context (NP_003473.3, residues 4871-4891): SQLDILSLLK[Gln4881=]ESPAPEPPTQ

ClinVar aggregate classification (germline): Uncertain significance (1 of 4 stars; one submission).

Conditions:
Kabuki syndrome. Also called: Kabuki make-up syndrome; NIIKAWA-KUROKI SYNDROME. Identifiers: Orphanet 2322, MedGen C0796004, MONDO:0016512.

gnomAD v4.1: 4 of 1,562,334 alleles (0.00026%); highest among the groups gnomAD compares: Non-Finnish European, 0.00035%; no homozygotes.

Submission:

Labcorp Genetics (formerly Invitae), Labcorp
Classification: Uncertain significance for Kabuki syndrome. Last evaluated: 2022-03-01. Review status: criteria provided, single submitter. Criteria: Invitae Variant Classification Sherloc (09022015). Collection method: clinical testing. Allele origin: germline.
Comment: This sequence change affects codon 4881 of the KMT2D mRNA. It is a 'silent' change, meaning that it does not change the encoded amino acid sequence of the KMT2D protein. This variant also falls at the last nucleotide of exon 47, which is part of the consensus splice site for this exon. This variant is present in population databases (no rsID available, gnomAD 0.001%). This variant has not been reported in the literature in individuals affected with KMT2D-related conditions. Variants that disrupt the consensus splice site are a relatively common cause of aberrant splicing (PMID: 17576681, 9536098). Algorithms developed to predict the effect of sequence changes on RNA splicing suggest that this variant is not likely to affect RNA splicing. In summary, the available evidence is currently insufficient to determine the role of this variant in disease. Therefore, it has been classified as a Variant of Uncertain Significance.

Literature cited by the submitters: PubMed 17576681; PubMed 9536098.